The following is an entry in ClinVar:

NM_007294.4(BRCA1):c.1285del (p.Lys428_Ile429insTer)

Gene: BRCA1 (BRCA1 DNA repair associated; minus strand). Cytogenetic location: 17q21.31.
Variant type: Deletion.
Coding change: c.1285del on transcript NM_007294.4 (MANE Select); coding-DNA position 1285, one base deleted (A; older notation c.1285delA).
Protein change: p.Lys428_Ile429insTer.
Molecular consequence: nonsense. On other transcripts: frameshift variant (2), intron variant (137).
Genome position (GRCh38, 1-based): chr17:43,094,246, T deleted on the plus strand (A on the coding strand, the reverse complement: BRCA1 is on the minus strand); the first of 4 consecutive T bases (chr17:43,094,246-43,094,249); deleting any one gives the same sequence. VCF-style (leftmost placement, unchanged base first): chr17-43094245-AT-A. GRCh37 (hg19) VCF-style: chr17-41246262-AT-A.
Other names: c.1144del, p.Lys381_Ile382insTer (NM_001407725.1, NM_001407726.1, NM_001407727.1 and 29 more transcripts); c.1282del, p.Lys427_Ile428insTer (NM_001407615.1, NM_001407587.1, NM_001407590.1 and 22 more transcripts); c.1285del, p.Lys428_Ile429insTer (NM_001407616.1, NM_001407620.1, NM_001407623.1 and 30 more transcripts); c.1285delA (NM_007294.3); c.1072del, p.Lys357_Ile358insTer (NM_001407571.1, NM_001407853.1, NM_001407894.1 and 9 more transcripts); c.1162del, p.Lys387_Ile388insTer (NM_001407678.1, NM_001407679.1, NM_001407680.1 and 19 more transcripts); c.1159del, p.Lys386_Ile387insTer (NM_001407685.1, NM_001407686.1, NM_001407687.1 and 11 more transcripts); c.1276del, p.Lys425_Ile426insTer (NM_001407646.1, NM_001407647.1); and 42 more.
Identifiers: ClinVar variation 579869 (VCV000579869.11), dbSNP rs1567800172, ClinGen allele CA891844209.

ClinVar aggregate classification (germline): Pathogenic (1 of 4 stars; one submission).

Conditions:
Hereditary breast ovarian cancer syndrome. Also called: Hereditary breast and ovarian cancer syndrome; Hereditary breast and ovarian cancer syndrome (HBOC); BRCA1- and BRCA2-Associated Hereditary Breast and Ovarian Cancer; Hereditary breast and/or ovarian cancer syndrome; Hereditary breast and ovarian cancer; Breast and ovarian cancer. Identifiers: Orphanet 145, MedGen C0677776, MeSH D061325, MONDO:0003582. Disease mechanism: loss of function.

Submission:

Labcorp Genetics (formerly Invitae), Labcorp
Classification: Pathogenic for Hereditary breast ovarian cancer syndrome. Last evaluated: 2025-10-09. Review status: criteria provided, single submitter. Criteria: Invitae Variant Classification Sherloc (09022015). Collection method: clinical testing. Allele origin: germline.
Comment: This sequence change creates a premature translational stop signal (p.Ile429*) in the BRCA1 gene. It is expected to result in an absent or disrupted protein product. Loss-of-function variants in BRCA1 are known to be pathogenic (PMID: 20104584). This variant is not present in population databases (gnomAD no frequency). This variant has not been reported in the literature in individuals affected with BRCA1-related conditions. ClinVar contains an entry for this variant (Variation ID: 579869). For these reasons, this variant has been classified as Pathogenic.

Literature cited by the submitters: PubMed 20104584.